The following is an entry in ClinVar:

ClinVar aggregate classification (germline): Uncertain significance. Review status: criteria provided, multiple submitters, no conflicts (2 of 4 stars). 5 submissions from 5 submitters: Uncertain significance (4). 1 of the submissions does not count toward it. Last evaluated 2025-11-06.

Conditions:
Inborn genetic diseases. Identifiers: MedGen C0950123, MeSH D030342.
Infantile nephronophthisis (NPHP2). Also called: Nephronophthisis 2, infantile; Nephronophthisis 2. Identifiers: Orphanet 655, Orphanet 93591, MedGen C1865872, MONDO:0011190, OMIM 602088.
Nephronophthisis. Also called: Juvenile Nephronophthisis. Identifiers: Orphanet 655, MedGen C0687120, MONDO:0019005, HP:0000090.
INVS-related disorder. Also called: INVS-related condition.

Allele frequency attached by ClinVar (database versions not stated): ExAC 0.00005; gnomAD exomes 0.00006 and 0.00003; ESP Exome Variant Server 0.00008; TOPMed 0.00005; gnomAD 0.00006.
gnomAD v4.1: 95 of 1,613,912 alleles (0.0059%); highest among the groups gnomAD compares: Admixed American, 0.0083%; no homozygotes.

Submissions (5):

Ambry Genetics
Classification: Uncertain significance for Inborn genetic diseases. Last evaluated: 2025-11-06. Review status: criteria provided, single submitter. Criteria: Ambry Variant Classification Scheme 2023. Collection method: clinical testing. Allele origin: germline.

Fulgent Genetics
Classification: Uncertain significance for Infantile nephronophthisis. Last evaluated: 2024-04-16. Review status: criteria provided, single submitter. Criteria: ACMG Guidelines, 2015. Collection method: clinical testing. Allele origin: germline.

Labcorp Genetics (formerly Invitae), Labcorp
Classification: Uncertain significance for Nephronophthisis. Last evaluated: 2022-07-30. Review status: criteria provided, single submitter. Criteria: Invitae Variant Classification Sherloc (09022015). Collection method: clinical testing. Allele origin: germline.
Comment: This sequence change replaces valine, which is neutral and non-polar, with leucine, which is neutral and non-polar, at codon 922 of the INVS protein (p.Val922Leu). This variant is present in population databases (rs375031657, gnomAD 0.01%). This variant has not been reported in the literature in individuals affected with INVS-related conditions. ClinVar contains an entry for this variant (Variation ID: 857076). Algorithms developed to predict the effect of missense changes on protein structure and function are either unavailable or do not agree on the potential impact of this missense change (SIFT: "Deleterious"; PolyPhen-2: "Benign"; Align-GVGD: "Class C0"). In summary, the available evidence is currently insufficient to determine the role of this variant in disease. Therefore, it has been classified as a Variant of Uncertain Significance.

Revvity Omics, Revvity
Classification: Uncertain significance for Infantile nephronophthisis. Last evaluated: 2019-11-08. Review status: criteria provided, single submitter. Criteria: ACMG Guidelines, 2015. Collection method: clinical testing. Allele origin: germline.

PreventionGenetics, part of Exact Sciences
Classification: Uncertain significance for INVS-related condition. Last evaluated: 2023-12-01. Review status: no assertion criteria provided. Collection method: clinical testing. Allele origin: germline. Not counted in ClinVar's aggregate classification.
Comment: The INVS c.2764G>C variant is predicted to result in the amino acid substitution p.Val922Leu. To our knowledge, this variant has not been reported in the literature. This variant is reported in 0.011% of alleles in individuals of Latino descent in gnomAD. At this time, the clinical significance of this variant is uncertain due to the absence of conclusive functional and genetic evidence.

NM_014425.5(INVS):c.2764G>C (p.Val922Leu)

Gene: INVS (inversin; plus strand). Cytogenetic location: 9q31.1.
Variant type: single nucleotide variant.
Coding change: c.2764G>C on transcript NM_014425.5 (MANE Select); coding-DNA position 2764, G replaced by C.
Protein change: p.Val922Leu; replaces valine 922 with leucine.
Molecular consequence: missense variant. On other transcripts: non-coding transcript variant (1).
Genome position (GRCh38, 1-based): chr9:100,293,021, G>C. VCF-style: chr9-100293021-G-C. GRCh37 (hg19) VCF-style: chr9-103055303-G-C.
Other names: c.2764G>C (NM_014425.4, NM_014425.2); c.2476G>C, p.Val826Leu (NM_001318381.2); c.1786G>C, p.Val596Leu (NM_001318382.2); short protein forms V596L, V922L, V826L.
Identifiers: ClinVar variation 857076 (VCV000857076.15), dbSNP rs375031657, ClinGen allele CA5158687.
Genomic context (GRCh38, chr9:100,293,021, plus strand): 5'-ATAATTCAGAGAGAACGAAGGAGGAAGGAGCTGTTTCGCAAAAAGAACAAGGCAGCAGCA[G>C]TCATCCAGCGCGCCTGGCGAAGGTAGGAAAATGGGGTGCTGCCGCATCTGTGGTTCTTTG-3'
Protein context (NP_055240.2, residues 912-932): LFRKKNKAAA[Val922Leu]IQRAWRSYQL